The following is an entry in ClinVar:

ClinVar aggregate classification (germline): Pathogenic (1 of 4 stars; one submission).

Conditions:
Hereditary breast ovarian cancer syndrome. Also called: Hereditary breast and ovarian cancer syndrome (HBOC); Breast and ovarian cancer; Hereditary breast and/or ovarian cancer syndrome; BRCA1- and BRCA2-Associated Hereditary Breast and Ovarian Cancer; Hereditary breast and ovarian cancer syndrome; Hereditary breast and ovarian cancer. Identifiers: Orphanet 145, MedGen C0677776, MeSH D061325, MONDO:0003582. Disease mechanism: loss of function.

Submission:

Women's Health and Genetics/Laboratory Corporation of America, LabCorp
Classification: Pathogenic for Hereditary breast ovarian cancer syndrome. Last evaluated: 2021-04-02. Review status: criteria provided, single submitter. Criteria: LabCorp Variant Classification Summary - May 2015. Collection method: clinical testing. Allele origin: germline.
Comment: Variant summary: The variant identified by MLPA or other technology involves the deletion of exon 22 in the BRCA1 gene. A presumed nomenclature of c.(5406+1_5407-1)_(5467+1_5468-1)del has been designated for the purposes of this classification. Although exact breakpoints of this deletion are not known, it is expected to result in a frameshift deletion change in the BRCA1 gene, a known mechanism of disease. The variant was absent in 21694 control chromosomes (gnomAD, Structural Variants dataset). Deletion of exon 22 (also known as deletion of exon 23 using legacy exon numbering) has been reported in the literature in individuals/families affected with Hereditary Breast And Ovarian Cancer Syndrome (e.g. McVeigh_2017, Rebbeck_2018). These data indicate that the variant is likely to be associated with disease. To our knowledge, no experimental evidence demonstrating an impact on protein function has been reported. No clinical diagnostic laboratories have submitted clinical-significance assessments for this variant to ClinVar after 2014. Based on the evidence outlined above, the variant was classified as pathogenic.

Literature cited by the submitters: PubMed 29446198; PubMed 28595730.

NC_000017.10:g.(41197820_41199659)_(41199721_41201137)del

Gene: BRCA1 (BRCA1 DNA repair associated; minus strand). Cytogenetic location: 17q21.31.
Variant type: Deletion.
Identifiers: ClinVar variation 1065138 (VCV001065138.1).